The following is an entry in ClinVar:

NM_000027.4(AGA):c.127_128insATGCGG (p.Ala42_Ala43insAspAla)

Gene: AGA (aspartylglucosaminidase; minus strand). Cytogenetic location: 4q34.3.
Variant type: Insertion.
Coding change: c.127_128insATGCGG on transcript NM_000027.4 (MANE Select); coding-DNA positions 127 to 128, ATGCGG inserted.
Protein change: p.Ala42_Ala43insAspAla.
Molecular consequence: inframe insertion. On other transcripts: non-coding transcript variant (1).
Genome position: GRCh38 VCF-style: chr4-177442248-C-CCCGCAT. GRCh37 (hg19) VCF-style: chr4-178363402-C-CCCGCAT.
Other names: c.127_128insATGCGG, p.Ala42_Ala43insAspAla (NM_001171988.2).
Identifiers: ClinVar variation 226 (VCV000000226.3), dbSNP rs386833418, ClinGen allele CA114061.

ClinVar aggregate classification (germline): Pathogenic/Likely pathogenic. Review status: no assertion criteria provided (0 of 4 stars). 2 submissions from 2 submitters: Pathogenic (1); Likely pathogenic (1). Last evaluated 1991-12-15.

Conditions:
Aspartylglucosaminuria (AGU). Also called: AGA DEFICIENCY; GLYCOASPARAGINASE; GLYCOSYLASPARAGINASE DEFICIENCY; Aspartylglucos-aminuria; Aspartylglucos-amidase (AGA) deficiency. Identifiers: Orphanet 93, MedGen C0268225, MONDO:0008830, OMIM 208400, HP:0012068.

Submissions (2):

OMIM
Classification: Pathogenic for ASPARTYLGLUCOSAMINURIA. Last evaluated: 1991-12-15. Review status: no assertion criteria provided. Collection method: literature only. Allele origin: germline.

Juha Muilu Group; Institute for Molecular Medicine Finland (FIMM)
Classification: Likely pathogenic for Aspartylglycosaminuria. Review status: no assertion criteria provided. Collection method: not provided. Allele origin: unknown.
Comment: FinDis database variant: This variant was not found or characterized by our laboratory, data were collected from public sources: see reference
ClinVar note: Converted during submission from probable-pathogenic to Likely pathogenic.

Literature cited by the submitters: PubMed 1722323 (cited by OMIM).